The following is an entry in ClinVar:

NM_007294.4(BRCA1):c.5177G>T (p.Arg1726Ile)

Gene: BRCA1 (BRCA1 DNA repair associated; minus strand). Cytogenetic location: 17q21.31.
Variant type: single nucleotide variant.
Coding change: c.5177G>T on transcript NM_007294.4 (MANE Select); coding-DNA position 5177, G replaced by T.
Protein change: p.Arg1726Ile; replaces arginine 1726 with isoleucine.
Molecular consequence: missense variant. On other transcripts: non-coding transcript variant (1).
Genome position (GRCh38, 1-based): chr17:43,063,349, C>A on the plus strand (G>T on the coding strand, the complement: BRCA1 is on the minus strand). VCF-style: chr17-43063349-C-A. GRCh37 (hg19) VCF-style: chr17-41215366-C-A.
Other names: c.4964G>T, p.Arg1655Ile (NM_001407571.1, NM_001407894.1, NM_001407895.1 and 12 more transcripts); c.5243G>T, p.Arg1748Ile (NM_001407581.1, NM_001407582.1); c.5240G>T, p.Arg1747Ile (NM_001407583.1, NM_001407585.1, NM_001407587.1 and 1 more transcripts); c.5237G>T, p.Arg1746Ile (NM_001407590.1, NM_001407591.1); c.5177G>T, p.Arg1726Ile (NM_001407593.1, NM_001407594.1, NM_001407596.1 and 7 more transcripts); c.5174G>T, p.Arg1725Ile (NM_001407610.1, NM_001407611.1, NM_001407622.1 and 17 more transcripts); c.5171G>T, p.Arg1724Ile (NM_001407627.1, NM_001407628.1, NM_001407629.1 and 14 more transcripts); c.5168G>T, p.Arg1723Ile (NM_001407644.1, NM_001407645.1); and 72 more; short protein forms R1726I, R1679I, R622I, R1747I, R1613I, R1636I, R1655I, R1659I.
Identifiers: ClinVar variation 187201 (VCV000187201.24), dbSNP rs786203547, ClinGen allele CA003325.

ClinVar aggregate classification (germline): Conflicting classifications of pathogenicity. Review status: criteria provided, conflicting classifications (1 of 4 stars). 5 submissions from 5 submitters: Uncertain significance (3); Likely benign (2). Last evaluated 2025-07-30.

Conditions:
Hereditary breast ovarian cancer syndrome. Also called: Hereditary breast and ovarian cancer syndrome; Hereditary breast and ovarian cancer syndrome (HBOC); BRCA1- and BRCA2-Associated Hereditary Breast and Ovarian Cancer; Breast and ovarian cancer; Hereditary breast and ovarian cancer; Hereditary breast and/or ovarian cancer syndrome. Identifiers: Orphanet 145, MedGen C0677776, MeSH D061325, MONDO:0003582. Disease mechanism: loss of function.
Breast-ovarian cancer, familial, susceptibility to, 1 (BROVCA1). Also called: OVARIAN CANCER, SUSCEPTIBILITY TO; BRCA1 Hereditary Breast and Ovarian Cancer. Identifiers: Orphanet 145, MedGen C2676676, MONDO:0011450, OMIM 604370. Disease mechanism: loss of function.
Hereditary cancer-predisposing syndrome. Also called: Hereditary Cancer Syndrome; Hereditary neoplastic syndrome; Tumor predisposition; Neoplastic Syndromes, Hereditary. Identifiers: Orphanet 140162, MedGen C0027672, MeSH D009386, MONDO:0015356.

Allele frequency attached by ClinVar (database versions not stated): gnomAD exomes 0.00001.
gnomAD v4.1: 11 of 1,611,064 alleles (0.00068%); highest among the groups gnomAD compares: Non-Finnish European, 0.00093%; no homozygotes.

Submissions (6):

Labcorp Genetics (formerly Invitae), Labcorp
Classification: Uncertain significance for Hereditary breast ovarian cancer syndrome. Last evaluated: 2025-07-30. Review status: criteria provided, single submitter. Criteria: Invitae Variant Classification Sherloc (09022015). Collection method: clinical testing. Allele origin: germline.
Comment: This sequence change replaces arginine, which is basic and polar, with isoleucine, which is neutral and non-polar, at codon 1726 of the BRCA1 protein (p.Arg1726Ile). This variant is not present in population databases (gnomAD no frequency). This missense change has been observed in individual(s) with personal and/or family history of breast and/or ovarian cancer (PMID: 21120943, 35039532). ClinVar contains an entry for this variant (Variation ID: 187201). Invitae Evidence Modeling incorporating data from in vitro experimental studies (PMID: 30209399) indicates that this missense variant is not expected to disrupt BRCA1 function with a negative predictive value of 95%. Experimental studies have shown that this missense change does not substantially affect BRCA1 function (PMID: 30209399, 30257991, 34793697, 37731132). In summary, the available evidence is currently insufficient to determine the role of this variant in disease. Therefore, it has been classified as a Variant of Uncertain Significance.

Quest Diagnostics Nichols Institute San Juan Capistrano
Classification: Uncertain significance. Last evaluated: 2024-11-26. Review status: criteria provided, single submitter. Criteria: Quest Diagnostics criteria. Collection method: clinical testing. Allele origin: unknown.
Comment: The BRCA1 c.5177G>T (p.Arg1726Ile) variant has been reported in the published literature in at least one individual with personal or family history of breast and/or ovarian cancer (PMID: 21120943 (2011)). Functional studies have indicated that this variant does not affect the homology-directed DNA repair ability of the BRCA1 protein however it may result in defective localization (PMID: 30257991 (2018), 37731132 (2023)). This variant has not been reported in large, multi-ethnic general populations (Genome Aggregation Database). Analysis of this variant using bioinformatics tools for the prediction of the effect of amino acid changes on protein structure and function yielded predictions that this variant is benign. Based on the available information, we are unable to determine the clinical significance of this variant.

Color Diagnostics, LLC DBA Color Health
Classification: Uncertain significance for Hereditary cancer-predisposing syndrome. Last evaluated: 2024-10-29. Review status: criteria provided, single submitter. Criteria: ACMG Guidelines, 2015. Collection method: clinical testing. Allele origin: germline.
Comment: This missense variant replaces arginine with isoleucine at codon 1726 of the BRCA1 protein. Functional studies have reported that this variant does not impact BRCA1 function in a haploid cell proliferation assay (PMID: 30209399) and in a homology-directed DNA repair assay (PMID: 30257991). This variant has been reported in one individual affected with breast cancer and the analysis of the tumor sample showed normal allelic balance indicating the absence of loss of heterozygosity (PMID: 35039532). A multifactorial analysis reported a likelihood ratio for pathogenicity based on the personal and family history of 0.147 from log(LR)=-0.831429124 for one carrier (PMID: 31853058). This variant has not been identified in the general population by the Genome Aggregation Database (gnomAD). Although there is a suspicion that this variant may not be associated with disease, additional clinical studies are necessary to determine the role of this variant in disease conclusively. Therefore, this variant is classified as a Variant of Uncertain Significance.

Lupski Lab, Baylor-Hopkins CMG, Baylor College of Medicine
Classification: Likely benign for Breast-ovarian cancer, familial, susceptibility to, 1. Last evaluated: 2024-04-12. Review status: criteria provided, single submitter. Criteria: Dawood et al. (medRxiv. 2024). Collection method: curation. Allele origin: germline.
Comment: Each variant was annotated with functional scores from MAVE data which was translated into functional evidence codes. All other evidence codes and combining criteria were adhered to as closely as possible based on the ClinGen VCEP (Variant Curation Expert Panel) gene-specific recommendations. See Supplemental Figure 34 of final paper (Supp Fig. 28 in preprint: doi:10.1101/2024.04.11.24305690) for a table to see which lines of evidence we did not have data for. The ClinGen VCEPs are highly regarded as the gold-standard for gene-specific variant curation and are developed after extensive evaluation of the evidence by clinical and scientific experts for the particular gene to classify genomic variants on a spectrum from pathogenic to benign using the 2015 ACMG/AMP Variant Interpretation Guidelines as a backbone (PMID: 25741868). Reclassification of these VUS variants from gnomAD or All of Us focused only on variants originally prescribed as VUS in ClinVar. To ensure reproducibility, transparency, and increased throughput, all the procedures for annotating variants and assigning evidence codes were codified using Python. All code has been made freely available and is linked in the Code Availability section and all reclassified variants with evidence codes used can be found in Tables S18-19 (preprint: doi:10.1101/2024.04.11.24305690). For the MAVE data, the clinical curation and clinical strength assignment as per the ClinGen recommendations in Brnich et al. (2020) (PMID: 31892348) for or against pathogenicity or benignity of each of these MAVE datasets utilized in this study were previously published in Fayer et al. (2021) (PMID: 34793697).In brief, for BRCA1 variants, if a variant was categorized as FUNC (functional), it was assigned BS3 evidence and no PS3 evidence, whereas if it was categorized as LOF (loss of function), the variant was assigned PS3 evidence and no BS3 evidence. Variants categorized as INT (intermediate) were left unannotated. For the BRCA1 combining criteria, greater than or equal to 1 criteria of strong benign evidence was enough to reclassify the VUS as Likely Benign. This variant GRCh38:17:43063349:C>A was assigned evidence codes ['BS3', 'BP4'] and an overall classification of Likely benign

Ambry Genetics
Classification: Likely benign for Hereditary cancer-predisposing syndrome. Last evaluated: 2021-05-10. Review status: criteria provided, single submitter. Criteria: Ambry Variant Classification Scheme 2023. Collection method: clinical testing. Allele origin: germline.

Brotman Baty Institute, University of Washington
No classification provided (evidence only). Condition: Breast-ovarian cancer, familial 1. Review status: no classification provided. Collection method: in vitro. Allele origin: not applicable. Functional consequence: functionally_normal. Not counted in ClinVar's aggregate classification.
ClinVar note: "not provided" was previously submitted as the classification for the variant. However, the classification appeared to be based only on an observation of functional data so it was converted to no classification on 2025-07-30.

Literature cited by the submitters: PubMed 21120943 (cited by 3 submitters); PubMed 35039532 (cited by 3 submitters); PubMed 30209399 (cited by 4 submitters); PubMed 30257991 (cited by 4 submitters); PubMed 34793697 (cited by Labcorp Genetics (formerly Invitae), Labcorp and Lupski Lab, Baylor-Hopkins CMG, Baylor College of Medicine); PubMed 37731132 (cited by Labcorp Genetics (formerly Invitae), Labcorp and Quest Diagnostics Nichols Institute San Juan Capistrano); PubMed 31853058 (cited by Color Diagnostics, LLC DBA Color Health); PubMed 39142283 (cited by Lupski Lab, Baylor-Hopkins CMG, Baylor College of Medicine); DOI 10.1101/2024.04.11.24305690 (cited by Lupski Lab, Baylor-Hopkins CMG, Baylor College of Medicine).